The following is an entry in ClinVar:

NM_000037.4(ANK1):c.1824C>T (p.Ile608=)

Gene: ANK1 (ankyrin 1; minus strand). Cytogenetic location: 8p11.21.
Variant type: single nucleotide variant.
Coding change: c.1824C>T on transcript NM_000037.4 (MANE Select); coding-DNA position 1824, C replaced by T.
Protein change: p.Ile608=; no amino-acid change (isoleucine 608 retained).
Molecular consequence: synonymous variant.
Genome position (GRCh38, 1-based): chr8:41,708,952, G>A on the plus strand (C>T on the coding strand, the complement: ANK1 is on the minus strand). VCF-style: chr8-41708952-G-A. GRCh37 (hg19) VCF-style: chr8-41566470-G-A.
Other names: c.1824C>T (NM_020476.2); c.1923C>T, p.Ile641= (NM_001142446.2); c.1824C>T, p.Ile608= (NM_020475.3, NM_020476.3, NM_020477.3).
Identifiers: ClinVar variation 363023 (VCV000363023.7), dbSNP rs144904116, ClinGen allele CA4728454.
Genomic context (GRCh38, chr8:41,708,952, plus strand): 5'-TGCTGAGCCCCCATACTGCAGCAGACTACGGGCCACCTCCACCTGGTTCTGCTTGGCAGC[G>A]ATGTGCAAAGGGGTGTAGCCATTCTGAAACAGAAGAAGCCGCCCAGAGCCTGGTTACAGG-3'
Protein context (NP_000028.3, residues 598-618): PAWNGYTPLH[Ile608=]AAKQNQVEVA

ClinVar aggregate classification (germline): Uncertain significance. Review status: criteria provided, single submitter (1 of 4 stars). 3 submissions from 2 submitters: Uncertain significance (2). 1 of the submissions does not count toward it. Last evaluated 2018-01-13.

Conditions:
Hereditary spherocytosis type 1. Also called: Spherocytosis type 1; ANK1-Related Spherocytosis. Identifiers: Orphanet 822, MedGen C2674218, MONDO:0008447, OMIM 182900.
Spherocytosis. Identifiers: MedGen C0553720, HP:0004444.
ANK1-related disorder. Also called: ANK1-related condition.

Allele frequency attached by ClinVar (database versions not stated): gnomAD 0.00002 and 0.00004; ExAC 0.00003; gnomAD exomes 0.00003; TOPMed 0.00005; 1000 Genomes Project 30x 0.00016; 1000 Genomes Project 0.00020.
gnomAD v4.1: 38 of 1,614,030 alleles (0.0024%); highest among the groups gnomAD compares: Middle Eastern, 0.05%; no homozygotes.

Submissions (3):

Illumina Laboratory Services, Illumina
Classification: Uncertain significance for Hereditary spherocytosis type 1. Last evaluated: 2018-01-13. Review status: criteria provided, single submitter. Criteria: ICSL Variant Classification Criteria 13 December 2019. Collection method: clinical testing. Allele origin: germline.

Illumina Laboratory Services, Illumina
Classification: Uncertain significance for Spherocytosis. Last evaluated: 2018-01-13. Review status: criteria provided, single submitter. Criteria: ICSL Variant Classification Criteria 13 December 2019. Collection method: clinical testing. Allele origin: germline.

PreventionGenetics, part of Exact Sciences
Classification: Likely benign for ANK1-related condition. Last evaluated: 2019-05-13. Review status: no assertion criteria provided. Collection method: clinical testing. Allele origin: germline. Not counted in ClinVar's aggregate classification.
Comment: This variant is classified as likely benign based on ACMG/AMP sequence variant interpretation guidelines (Richards et al. 2015 PMID: 25741868, with internal and published modifications).